The following is an entry in ClinVar:

NM_000071.3(CBS):c.1110C>T (p.Cys370=)

Gene: CBS (cystathionine beta-synthase; minus strand). Cytogenetic location: 21q22.3.
Variant type: single nucleotide variant.
Coding change: c.1110C>T on transcript NM_000071.3 (MANE Select); coding-DNA position 1110, C replaced by T.
Protein change: p.Cys370=; no amino-acid change (cysteine 370 retained).
Molecular consequence: synonymous variant.
Genome position (GRCh38, 1-based): chr21:43,060,476, G>A on the plus strand (C>T on the coding strand, the complement: CBS is on the minus strand). VCF-style: chr21-43060476-G-A. GRCh37 (hg19) VCF-style: chr21-44480586-G-A.
Other names: c.1110C>T, p.Cys370= (NM_001178008.3, NM_001178009.3, NM_001320298.2); c.795C>T, p.Cys265= (NM_001321072.1).
Identifiers: ClinVar variation 519589 (VCV000519589.14), dbSNP rs752404089, ClinGen allele CA321689721.

ClinVar aggregate classification (germline): Likely benign. Review status: criteria provided, multiple submitters, no conflicts (2 of 4 stars). 3 submissions from 3 submitters: Likely benign (3). Last evaluated 2023-07-16.

Conditions:
HYPERHOMOCYSTEINEMIA, THROMBOTIC, CBS-RELATED. Identifiers: MedGen C3150344, OMIM 236200.
Familial thoracic aortic aneurysm and aortic dissection (TAAD). Also called: Thoracic aortic aneurysms and dissections. Identifiers: Orphanet 91387, MedGen C4707243, MONDO:0019625.

Allele frequency attached by ClinVar (database versions not stated): ExAC 0.00001; gnomAD exomes 0.00001; TOPMed 0.00002.

Submissions (3):

Labcorp Genetics (formerly Invitae), Labcorp
Classification: Likely benign for HYPERHOMOCYSTEINEMIA, THROMBOTIC, CBS-RELATED. Last evaluated: 2023-07-16. Review status: criteria provided, single submitter. Criteria: Invitae Variant Classification Sherloc (09022015). Collection method: clinical testing. Allele origin: germline.

GeneDx
Classification: Likely benign. Last evaluated: 2018-03-16. Review status: criteria provided, single submitter. Criteria: GeneDx Variant Classification (06012015). Collection method: clinical testing. Allele origin: germline. Affected: yes.
Comment: This variant is considered likely benign or benign based on one or more of the following criteria: it is a conservative change, it occurs at a poorly conserved position in the protein, it is predicted to be benign by multiple in silico algorithms, and/or has population frequency not consistent with disease.

Ambry Genetics
Classification: Likely benign for Familial thoracic aortic aneurysm and aortic dissection. Last evaluated: 2016-10-14. Review status: criteria provided, single submitter. Criteria: Ambry Variant Classification Scheme 2023. Collection method: clinical testing. Allele origin: germline.